The following is an entry in ClinVar:

NM_000553.6(WRN):c.1628dup (p.Tyr543Ter)

Gene: WRN (WRN RecQ like helicase; plus strand). Cytogenetic location: 8p12.
Variant type: Duplication.
Coding change: c.1628dup on transcript NM_000553.6 (MANE Select); coding-DNA position 1628, one base duplicated (A; older notation c.1628dupA).
Protein change: p.Tyr543Ter; replaces tyrosine 543 with a stop codon.
Molecular consequence: nonsense.
Genome position (GRCh38, 1-based): chr8:31,088,941, A duplicated. VCF-style (leftmost placement, unchanged base first): chr8-31088940-T-TA. GRCh37 (hg19) VCF-style: chr8-30946456-T-TA.
Other names: short protein forms Y543*.
Identifiers: ClinVar variation 2854510 (VCV002854510.4), dbSNP rs2535927271, ClinGen allele CA2739279999.

ClinVar aggregate classification (germline): Pathogenic/Likely pathogenic. Review status: criteria provided, multiple submitters, no conflicts (2 of 4 stars). 2 submissions from 2 submitters: Pathogenic (1); Likely pathogenic (1). Last evaluated 2024-01-16.

Conditions:
Werner syndrome (WRN). Identifiers: Orphanet 902, MedGen C0043119, MONDO:0010196, OMIM 277700.

Submissions (2):

Fulgent Genetics
Classification: Likely pathogenic for Werner syndrome. Last evaluated: 2024-01-16. Review status: criteria provided, single submitter. Criteria: ACMG Guidelines, 2015. Collection method: clinical testing. Allele origin: germline.

Labcorp Genetics (formerly Invitae), Labcorp
Classification: Pathogenic for Werner syndrome. Last evaluated: 2023-07-12. Review status: criteria provided, single submitter. Criteria: Invitae Variant Classification Sherloc (09022015). Collection method: clinical testing. Allele origin: germline.
Comment: For these reasons, this variant has been classified as Pathogenic. This variant has not been reported in the literature in individuals affected with WRN-related conditions. This variant is not present in population databases (gnomAD no frequency). This sequence change creates a premature translational stop signal (p.Tyr543*) in the WRN gene. It is expected to result in an absent or disrupted protein product. Loss-of-function variants in WRN are known to be pathogenic (PMID: 16673358).

Literature cited by the submitters: PubMed 16673358 (cited by Labcorp Genetics (formerly Invitae), Labcorp).